The following is an entry in ClinVar:

ClinVar aggregate classification (germline): Uncertain significance (1 of 4 stars; one submission).

Conditions:
Severe early-onset pulmonary alveolar proteinosis due to MARS deficiency. Also called: PULMONARY ALVEOLAR PROTEINOSIS, REUNION ISLAND; Interstitial lung and liver disease. Identifiers: Orphanet 440427, MedGen C4225400, MONDO:0014206, OMIM 615486.
Charcot-Marie-Tooth disease axonal type 2U. Also called: CHARCOT-MARIE-TOOTH NEUROPATHY, TYPE 2U; CHARCOT-MARIE-TOOTH DISEASE, AXONAL, AUTOSOMAL DOMINANT, TYPE 2U. Identifiers: Orphanet 397735, MedGen C4084821, MONDO:0014566, OMIM 616280.

Submission:

Labcorp Genetics (formerly Invitae), Labcorp
Classification: Uncertain significance for Charcot-Marie-Tooth disease axonal type 2U; Severe early-onset pulmonary alveolar proteinosis due to MARS deficiency. Last evaluated: 2025-12-16. Review status: criteria provided, single submitter. Criteria: Invitae Variant Classification Sherloc (09022015). Collection method: clinical testing. Allele origin: germline.
Comment: This sequence change replaces alanine, which is neutral and non-polar, with threonine, which is neutral and polar, at codon 749 of the MARS protein (p.Ala749Thr). This variant is not present in population databases (gnomAD no frequency). This variant has not been reported in the literature in individuals affected with MARS-related conditions. An algorithm developed to predict the effect of missense changes on protein structure and function (PolyPhen-2) suggests that this variant is likely to be disruptive. In summary, the available evidence is currently insufficient to determine the role of this variant in disease. Therefore, it has been classified as a Variant of Uncertain Significance.

NM_004990.4(MARS1):c.2245G>A (p.Ala749Thr)

Gene: MARS1 (methionyl-tRNA synthetase 1; plus strand). Cytogenetic location: 12q13.3.
Variant type: single nucleotide variant.
Coding change: c.2245G>A on transcript NM_004990.4 (MANE Select); coding-DNA position 2245, G replaced by A.
Protein change: p.Ala749Thr; replaces alanine 749 with threonine.
Molecular consequence: missense variant.
Genome position (GRCh38, 1-based): chr12:57,515,190, G>A. VCF-style: chr12-57515190-G-A. GRCh37 (hg19) VCF-style: chr12-57908973-G-A.
Other names: short protein forms A749T.
Identifiers: ClinVar variation 4787501 (VCV004787501.1).